The following is an entry in ClinVar:

NM_001368882.1(COL13A1):c.435+2T>G

Gene: COL13A1 (collagen type XIII alpha 1 chain; plus strand). Cytogenetic location: 10q22.1.
Variant type: single nucleotide variant.
Coding change: c.435+2T>G on transcript NM_001368882.1 (MANE Select); the canonical splice donor site of the intron after coding-DNA position 435, T replaced by G.
Molecular consequence: splice donor variant. On other transcripts: intron variant (9).
Genome position (GRCh38, 1-based): chr10:69,875,165, T>G. VCF-style: chr10-69875165-T-G. GRCh37 (hg19) VCF-style: chr10-71634921-T-G.
Other names: c.372+7360T>G (NM_001368898.1, NM_080798.4, NM_001368896.1); c.435+2T>G (NM_001320951.2, NM_001368884.1, NM_001130103.2 and 3 more transcripts); c.-254-2874T>G (NM_001368886.1); c.400-2874T>G (NM_001368883.1, NM_001368885.1); c.399+2955T>G (NM_080805.4, NM_001368897.1); c.373-5338T>G (NM_001368895.1).
Identifiers: ClinVar variation 1189395 (VCV001189395.10), dbSNP rs745399967, ClinGen allele CA5534142.

ClinVar aggregate classification (germline): Likely pathogenic. Review status: criteria provided, multiple submitters, no conflicts (2 of 4 stars). 2 submissions from 2 submitters: Likely pathogenic (2). Last evaluated 2025-02-09.

Allele frequency attached by ClinVar (database versions not stated): TOPMed below 0.00001; ExAC 0.00003; gnomAD exomes 0.00004.
gnomAD v4.1: 12 of 1,613,880 alleles (0.00074%); highest among the groups gnomAD compares: Admixed American, 0.02%; no homozygotes.

Submissions (2):

Labcorp Genetics (formerly Invitae), Labcorp
Classification: Likely pathogenic. Last evaluated: 2025-02-09. Review status: criteria provided, single submitter. Criteria: Invitae Variant Classification Sherloc (09022015). Collection method: clinical testing. Allele origin: germline.
Comment: This sequence change affects a donor splice site in intron 5 of the COL13A1 gene. It is expected to disrupt RNA splicing. Variants that disrupt the donor or acceptor splice site typically lead to a loss of protein function (PMID: 16199547), and loss-of-function variants in COL13A1 are known to be pathogenic (PMID: 26626625). This variant is present in population databases (rs745399967, gnomAD 0.03%). Disruption of this splice site has been observed in individual(s) with congenital myasthenic syndrome (Internal data). ClinVar contains an entry for this variant (Variation ID: 1189395). Algorithms developed to predict the effect of sequence changes on RNA splicing suggest that this variant may disrupt the consensus splice site. In summary, the currently available evidence indicates that the variant is pathogenic, but additional data are needed to prove that conclusively. Therefore, this variant has been classified as Likely Pathogenic.

GeneDx
Classification: Likely pathogenic. Last evaluated: 2024-02-20. Review status: criteria provided, single submitter. Criteria: GeneDx Variant Classification Process June 2021. Collection method: clinical testing. Allele origin: germline. Affected: yes.
Comment: Canonical splice site variant predicted to result in an in-frame loss of the adjacent exon in a gene for which loss of function is a known mechanism of disease; Has not been previously published as pathogenic or benign to our knowledge

Literature cited by the submitters: PubMed 16199547 (cited by Labcorp Genetics (formerly Invitae), Labcorp); PubMed 26626625 (cited by Labcorp Genetics (formerly Invitae), Labcorp).